The following is an entry in ClinVar:

NM_152524.5:c.1453_1454delGA,NM_012130.3:c.254T>A

Variant type: Haplotype.
Identifiers: ClinVar variation 375673 (VCV000375673.1).

ClinVar aggregate classification (germline): Pathogenic (0 of 4 stars; one submission).

Conditions:
Perrault syndrome. Also called: Gonadal dysgenesis with auditory dysfunction, autosomal recessive inheritance. Identifiers: Orphanet 2855, MedGen C0685838, MONDO:0017312.

Submission:

Laboratory of Molecular Genetics, National Institutes of Health
Classification: Pathogenic for Perrault Syndrome. Last evaluated: 2016-08-30. Review status: no assertion criteria provided. Collection method: research. Allele origin: germline. Affected: yes.
Comment: This is the first description in human of a pathogenic variant of SGO2. However, in mouse homozygous mutations of Sgol2 encoding shugushin 2 are known to be necessary for meiosis. Loss of function of Sgol2 cause infertility in both males and females.